The following is an entry in ClinVar:

NM_007294.4(BRCA1):c.2687G>A (p.Ser896Asn)

Gene: BRCA1 (BRCA1 DNA repair associated; minus strand). Cytogenetic location: 17q21.31.
Variant type: single nucleotide variant.
Coding change: c.2687G>A on transcript NM_007294.4 (MANE Select); coding-DNA position 2687, G replaced by A.
Protein change: p.Ser896Asn; replaces serine 896 with asparagine.
Molecular consequence: missense variant. On other transcripts: intron variant (137).
Genome position (GRCh38, 1-based): chr17:43,092,844, C>T on the plus strand (G>A on the coding strand, the complement: BRCA1 is on the minus strand). VCF-style: chr17-43092844-C-T. GRCh37 (hg19) VCF-style: chr17-41244861-C-T.
Other names: c.2474G>A, p.Ser825Asn (NM_001407571.1, NM_001407915.1, NM_001407916.1 and 9 more transcripts); c.2687G>A, p.Ser896Asn (NM_001407581.1, NM_001407582.1, NM_001407583.1 and 30 more transcripts); c.2684G>A, p.Ser895Asn (NM_001407587.1, NM_001407590.1, NM_001407591.1 and 22 more transcripts); c.2609G>A, p.Ser870Asn (NM_001407654.1, NM_001407655.1, NM_001407656.1 and 4 more transcripts); c.2606G>A, p.Ser869Asn (NM_001407659.1, NM_001407660.1, NM_001407661.1 and 1 more transcripts); c.2561G>A, p.Ser854Asn (NM_001407673.1, NM_001407649.1, NM_001407670.1 and 11 more transcripts); c.2564G>A, p.Ser855Asn (NM_001407674.1, NM_001407675.1, NM_001407676.1 and 19 more transcripts); c.2546G>A, p.Ser849Asn (NM_001407692.1, NM_001407694.1, NM_001407695.1 and 29 more transcripts); and 41 more; short protein forms S849N, S896N, S768N, S807N, S826N, S869N, S895N, S728N.
Identifiers: ClinVar variation 1052268 (VCV001052268.15), dbSNP rs2053714262, ClinGen allele CA10596626.

ClinVar aggregate classification (germline): Conflicting classifications of pathogenicity. Review status: criteria provided, conflicting classifications (1 of 4 stars). 6 submissions from 6 submitters: Uncertain significance (4); Likely benign (2). Last evaluated 2025-09-09.

Conditions:
Hereditary cancer-predisposing syndrome. Also called: Tumor predisposition; Hereditary Cancer Syndrome; Hereditary neoplastic syndrome; Neoplastic Syndromes, Hereditary. Identifiers: Orphanet 140162, MedGen C0027672, MeSH D009386, MONDO:0015356.
Hereditary breast ovarian cancer syndrome. Also called: Hereditary breast and ovarian cancer syndrome; Hereditary breast and ovarian cancer syndrome (HBOC); Breast and ovarian cancer; Hereditary breast and ovarian cancer; Hereditary breast and/or ovarian cancer syndrome; BRCA1- and BRCA2-Associated Hereditary Breast and Ovarian Cancer. Identifiers: Orphanet 145, MedGen C0677776, MeSH D061325, MONDO:0003582. Disease mechanism: loss of function.
Breast-ovarian cancer, familial, susceptibility to, 1 (BROVCA1). Also called: BRCA1 Hereditary Breast and Ovarian Cancer; OVARIAN CANCER, SUSCEPTIBILITY TO. Identifiers: Orphanet 145, MedGen C2676676, MONDO:0011450, OMIM 604370. Disease mechanism: loss of function.

Submissions (6):

German Consortium for Hereditary Breast and Ovarian Cancer, University Hospital Cologne
Classification: Likely benign for Hereditary breast ovarian cancer syndrome. Last evaluated: 2025-09-09. Review status: criteria provided, single submitter. Criteria: ClinGen BRCA1 V1.1.0. Collection method: curation. Allele origin: germline.
Comment: This classification follows the ClinGen ENIGMA BRCA1 v1.1.0 classification scheme; We chose these criteria: PM2 (supporting pathogenic): absent from controls, BP1 (strong benign): outside a (potentially) clinically important functional domain + SpliceAI ≤0.1

Ambry Genetics
Classification: Uncertain significance for Hereditary cancer-predisposing syndrome. Last evaluated: 2024-06-03. Review status: criteria provided, single submitter. Criteria: Ambry Variant Classification Scheme 2023. Collection method: clinical testing. Allele origin: germline.
Comment: The p.S896N variant (also known as c.2687G>A), located in coding exon 9 of the BRCA1 gene, results from a G to A substitution at nucleotide position 2687. The serine at codon 896 is replaced by asparagine, an amino acid with highly similar properties. This amino acid position is conserved. In addition, the in silico prediction for this alteration is inconclusive. Based on the available evidence, the clinical significance of this variant remains unclear.

All of Us Research Program, National Institutes of Health
Classification: Uncertain significance for Breast-ovarian cancer, familial, susceptibility to, 1. Last evaluated: 2023-08-15. Review status: criteria provided, single submitter. Criteria: ACMG Guidelines, 2015. Collection method: clinical testing. Allele origin: germline. Inheritance: Autosomal dominant inheritance. Observed: 1 variant allele, 1 heterozygote.
Comment: This missense variant replaces serine with asparagine at codon 896 of the BRCA1 protein. Computational prediction suggests that this variant may not impact protein structure and function (internally defined REVEL score threshold <= 0.5, PMID: 27666373). To our knowledge, functional studies have not been reported for this variant. This variant has not been reported in individuals affected with BRCA1-related disorders in the literature. This variant has not been identified in the general population by the Genome Aggregation Database (gnomAD). The available evidence is insufficient to determine the role of this variant in disease conclusively. Therefore, this variant is classified as a Variant of Uncertain Significance.

This study involves interpretation of variants in research participants for the purpose of population health screening. Participant phenotype was not available at the time of variant classification. Additional details can be found in publication PMID: 35346344, PMCID: PMC8962531

Color Diagnostics, LLC DBA Color Health
Classification: Uncertain significance for Hereditary cancer-predisposing syndrome. Last evaluated: 2023-08-04. Review status: criteria provided, single submitter. Criteria: ACMG Guidelines, 2015. Collection method: clinical testing. Allele origin: germline.
Comment: This missense variant replaces serine with asparagine at codon 896 of the BRCA1 protein. Computational prediction suggests that this variant may not impact protein structure and function. To our knowledge, functional studies have not been reported for this variant. This variant has not been reported in individuals affected with BRCA1-related disorders in the literature. This variant has not been identified in the general population by the Genome Aggregation Database (gnomAD). The available evidence is insufficient to determine the role of this variant in disease conclusively. Therefore, this variant is classified as a Variant of Uncertain Significance.

University of Washington Department of Laboratory Medicine, University of Washington
Classification: Likely benign for Hereditary cancer-predisposing syndrome. Last evaluated: 2023-03-23. Review status: criteria provided, single submitter. Criteria: Dines et al. (Genet Med. 2020). Collection method: curation. Allele origin: germline.
Comment: Missense variant in a coldspot region where missense variants are very unlikely to be pathogenic (PMID:31911673).

BRCA1 coldspot (exon 11 using historical exon numbering). Reclassification based on statistical prior probability

Labcorp Genetics (formerly Invitae), Labcorp
Classification: Uncertain significance for Hereditary breast ovarian cancer syndrome. Last evaluated: 2021-01-08. Review status: criteria provided, single submitter. Criteria: Invitae Variant Classification Sherloc (09022015). Collection method: clinical testing. Allele origin: germline.
Comment: In summary, the available evidence is currently insufficient to determine the role of this variant in disease. Therefore, it has been classified as a Variant of Uncertain Significance. Advanced modeling of protein sequence and biophysical properties (such as structural, functional, and spatial information, amino acid conservation, physicochemical variation, residue mobility, and thermodynamic stability) performed at Invitae indicates that this missense variant is not expected to disrupt BRCA1 protein function. This variant has not been reported in the literature in individuals with BRCA1-related conditions. This variant is not present in population databases (ExAC no frequency). This sequence change replaces serine with asparagine at codon 896 of the BRCA1 protein (p.Ser896Asn). The serine residue is moderately conserved and there is a small physicochemical difference between serine and asparagine.